The following is an entry in ClinVar:

ClinVar aggregate classification (germline): Uncertain significance. Review status: criteria provided, multiple submitters, no conflicts (2 of 4 stars). 2 submissions from 2 submitters: Uncertain significance (2). Last evaluated 2023-02-16.

Conditions:
Peroxisome biogenesis disorder 3A (Zellweger). Also called: PEROXISOMAL BIOGENESIS DISORDER 3A (ZELLWEGER); Peroxisome biogenesis disorder 3A. Identifiers: Orphanet 912, MedGen C3553929, MONDO:0013927, OMIM 614859.
PEX12-related disorder. Also called: PEX12-related disorders; PEX12-related condition.

gnomAD v4.1: 4 of 1,614,132 alleles (0.00025%); highest among the groups gnomAD compares: South Asian, 0.0011%; no homozygotes.

Submissions (2):

PreventionGenetics, part of Exact Sciences
Classification: Uncertain significance for PEX12-related condition. Last evaluated: 2023-02-16. Review status: criteria provided, single submitter. Criteria: ACMG Guidelines, 2015. Collection method: clinical testing. Allele origin: germline.
Comment: The PEX12 c.1021A>G variant is predicted to result in the amino acid substitution p.Ile341Val. To our knowledge, this variant has not been reported in the literature. This variant is reported in 0.00088% of alleles in individuals of European (Non-Finnish) descent in gnomAD. At this time, the clinical significance of this variant is uncertain due to the absence of conclusive functional and genetic evidence.

Labcorp Genetics (formerly Invitae), Labcorp
Classification: Uncertain significance for Peroxisome biogenesis disorder 3A (Zellweger). Last evaluated: 2022-05-03. Review status: criteria provided, single submitter. Criteria: Invitae Variant Classification Sherloc (09022015). Collection method: clinical testing. Allele origin: germline.
Comment: This sequence change replaces isoleucine, which is neutral and non-polar, with valine, which is neutral and non-polar, at codon 341 of the PEX12 protein (p.Ile341Val). This variant is present in population databases (rs772028045, gnomAD 0.0009%). This variant has not been reported in the literature in individuals affected with PEX12-related conditions. Algorithms developed to predict the effect of missense changes on protein structure and function (SIFT, PolyPhen-2, Align-GVGD) all suggest that this variant is likely to be tolerated. In summary, the available evidence is currently insufficient to determine the role of this variant in disease. Therefore, it has been classified as a Variant of Uncertain Significance.

NM_000286.3(PEX12):c.1021A>G (p.Ile341Val)

Gene: PEX12 (peroxisomal biogenesis factor 12; minus strand). Cytogenetic location: 17q12.
Variant type: single nucleotide variant.
Coding change: c.1021A>G on transcript NM_000286.3 (MANE Select); coding-DNA position 1021, A replaced by G.
Protein change: p.Ile341Val; replaces isoleucine 341 with valine.
Molecular consequence: missense variant.
Genome position (GRCh38, 1-based): chr17:35,575,841, T>C on the plus strand (A>G on the coding strand, the complement: PEX12 is on the minus strand). VCF-style: chr17-35575841-T-C. GRCh37 (hg19) VCF-style: chr17-33902860-T-C.
Other names: c.1021A>G (NM_000286.2); short protein forms I341V.
Identifiers: ClinVar variation 1987984 (VCV001987984.2), dbSNP rs772028045, ClinGen allele CA8504802.